The following is an entry in ClinVar:

ClinVar aggregate classification (germline): Pathogenic (1 of 4 stars; one submission).

Allele frequency attached by ClinVar (database versions not stated): gnomAD exomes below 0.00001; TOPMed below 0.00001; ExAC 0.00001; gnomAD 0.00001.

Submission:

Labcorp Genetics (formerly Invitae), Labcorp
Classification: Pathogenic. Last evaluated: 2023-08-30. Review status: criteria provided, single submitter. Criteria: Invitae Variant Classification Sherloc (09022015). Collection method: clinical testing. Allele origin: germline.
Comment: This sequence change creates a premature translational stop signal (p.Met357Trpfs*4) in the TRPM1 gene. It is expected to result in an absent or disrupted protein product. Loss-of-function variants in TRPM1 are known to be pathogenic (PMID: 19896113, 19966281, 20300565). For these reasons, this variant has been classified as Pathogenic. This variant has not been reported in the literature in individuals affected with TRPM1-related conditions. This variant is present in population databases (rs749301742, gnomAD 0.0009%).

Literature cited by the submitters: PubMed 19896113; PubMed 19966281; PubMed 20300565.

NM_001252024.2(TRPM1):c.1134del (p.Met379fs)

Gene: TRPM1 (transient receptor potential cation channel subfamily M member 1; minus strand). Cytogenetic location: 15q13.3.
Variant type: Deletion.
Coding change: c.1134del on transcript NM_001252024.2 (MANE Select); coding-DNA position 1134, one base deleted (G; older notation c.1134delG).
Protein change: p.Met379fs; shifts the reading frame from methionine 379.
Molecular consequence: frameshift variant.
Genome position (GRCh38, 1-based): chr15:31,061,470, C deleted on the plus strand (G on the coding strand, the reverse complement: TRPM1 is on the minus strand). VCF-style (leftmost placement, unchanged base first): chr15-31061469-TC-T. GRCh37 (hg19) VCF-style: chr15-31353672-TC-T.
Other names: c.1185del, p.Met396fs (NM_001252020.2); c.1068del, p.Met357fs (NM_002420.6); short protein forms M357fs, M379fs, M396fs.
Identifiers: ClinVar variation 2756723 (VCV002756723.3), dbSNP rs749301742, ClinGen allele CA7452684.